The following is an entry in ClinVar:

NM_145698.5(ACBD5):c.1320C>T (p.Ile440=)

Gene: ACBD5 (acyl-CoA binding domain containing 5; minus strand). Cytogenetic location: 10p12.1.
Variant type: single nucleotide variant.
Coding change: c.1320C>T on transcript NM_145698.5 (MANE Select); coding-DNA position 1320, C replaced by T.
Protein change: p.Ile440=; no amino-acid change (isoleucine 440 retained).
Molecular consequence: synonymous variant.
Genome position (GRCh38, 1-based): chr10:27,208,330, G>A on the plus strand (C>T on the coding strand, the complement: ACBD5 is on the minus strand). VCF-style: chr10-27208330-G-A. GRCh37 (hg19) VCF-style: chr10-27497259-G-A.
Other names: c.1320C>T (NM_145698.4); c.1215C>T, p.Ile405= (NM_001042473.4, NM_001352577.2, NM_001352578.2 and 1 more transcripts); c.1314C>T, p.Ile438= (NM_001271512.3); c.993C>T, p.Ile331= (NM_001301251.2, NM_001301252.2, NM_001301253.2 and 2 more transcripts); c.789C>T, p.Ile263= (NM_001301254.2); c.1374C>T, p.Ile458= (NM_001352568.1); c.1353C>T, p.Ile451= (NM_001352569.1); c.1320C>T, p.Ile440= (NM_001352570.1); and 11 more.
Identifiers: ClinVar variation 1143641 (VCV001143641.10), dbSNP rs181926234, ClinGen allele CA5450673.

ClinVar aggregate classification (germline): Likely benign. Review status: criteria provided, multiple submitters, no conflicts (2 of 4 stars). 2 submissions from 2 submitters: Likely benign (2). Last evaluated 2026-07-19.

Conditions:
ACBD5-related disorder. Also called: ACBD5-related condition.

Allele frequency attached by ClinVar (database versions not stated): gnomAD exomes 0.00004 and 0.00006; ExAC 0.00005; gnomAD 0.00010 and 0.00012; 1000 Genomes Project 30x 0.00016; 1000 Genomes Project 0.00020; TOPMed 0.00022.

Submissions (2):

PreventionGenetics, part of Exact Sciences
Classification: Likely benign for ACBD5-related condition. Last evaluated: 2026-07-19. Review status: criteria provided, single submitter. Criteria: ACMG Guidelines, 2015. Collection method: clinical testing. Allele origin: germline.
Comment: This variant is classified as likely benign based on ACMG/AMP sequence variant interpretation guidelines (Richards et al. 2015 PMID: 25741868, with internal and published modifications).

Labcorp Genetics (formerly Invitae), Labcorp
Classification: Likely benign. Last evaluated: 2025-07-21. Review status: criteria provided, single submitter. Criteria: Invitae Variant Classification Sherloc (09022015). Collection method: clinical testing. Allele origin: germline.